The following is an entry in ClinVar:

ClinVar aggregate classification (germline): Uncertain significance (1 of 4 stars; one submission).

Submission:

GeneDx
Classification: Uncertain significance. Last evaluated: 2024-09-25. Review status: criteria provided, single submitter. Criteria: GeneDx Variant Classification Process June 2021. Collection method: clinical testing. Allele origin: germline. Affected: yes.
Comment: Reported previously as a paternally inherited variant of uncertain clinical significance in a patient with epilepsy by exome sequencing; however clinical information on the mother was not provided (PMID: 30945278); Not observed at significant frequency in large population cohorts (gnomAD); In silico analysis indicates that this missense variant does not alter protein structure/function; This variant is associated with the following publications: (PMID: 30945278)

NM_001244008.2(KIF1A):c.3995C>T (p.Ala1332Val)

Gene: KIF1A (kinesin family member 1A; minus strand). Cytogenetic location: 2q37.3.
Variant type: single nucleotide variant.
Coding change: c.3995C>T on transcript NM_001244008.2 (MANE Select); coding-DNA position 3995, C replaced by T.
Protein change: p.Ala1332Val; replaces alanine 1332 with valine.
Molecular consequence: missense variant.
Genome position (GRCh38, 1-based): chr2:240,737,075, G>A on the plus strand (C>T on the coding strand, the complement: KIF1A is on the minus strand). VCF-style: chr2-240737075-G-A. GRCh37 (hg19) VCF-style: chr2-241676492-G-A.
Other names: c.3719C>T, p.Ala1240Val (NM_001320705.2, NM_001330289.2, NM_001379638.1); c.3794C>T, p.Ala1265Val (NM_001330290.2, NM_001379634.1, NM_001379635.1 and 1 more transcripts); c.4070C>T, p.Ala1357Val (NM_001379631.1); c.3944C>T, p.Ala1315Val (NM_001379632.1); c.3968C>T, p.Ala1323Val (NM_001379633.1, NM_001379642.1, NM_001379645.1); c.3806C>T, p.Ala1269Val (NM_001379636.1); c.3767C>T, p.Ala1256Val (NM_001379637.1, NM_001379648.1); c.3692C>T, p.Ala1231Val (NM_001379639.1, NM_001379641.1, NM_001379649.1 and 4 more transcripts); and 1 more; short protein forms A1230V, A1231V, A1240V, A1256V, A1265V, A1269V, A1315V, A1323V.
Identifiers: ClinVar variation 1703981 (VCV001703981.3), dbSNP rs2537079105, ClinGen allele CA351312408.
Genomic context (GRCh38, chr2:240,737,075, plus strand): 5'-GGCTGGGAACATGCCCTGGGCCCTGTCTCCAGGGAGTCTCCGACTCACCGGTCATCTTGG[G>A]CTGGGTGGATGTATCCGGAAGAGAGGATGTTGAGAGACAAGATGTTGGGGTCGATCAGGG-3'
Protein context (NP_001230937.1, residues 1322-1342): NILSSGYIHP[Ala1332Val]QDDRTFYQFE